The following is an entry in ClinVar:

NM_001605.3(AARS1):c.561C>T (p.Cys187=)

Gene: AARS1 (alanyl-tRNA synthetase 1; minus strand). Cytogenetic location: 16q22.1.
Variant type: single nucleotide variant.
Coding change: c.561C>T on transcript NM_001605.3 (MANE Select); coding-DNA position 561, C replaced by T.
Protein change: p.Cys187=; no amino-acid change (cysteine 187 retained).
Molecular consequence: synonymous variant.
Genome position (GRCh38, 1-based): chr16:70,271,891, G>A on the plus strand (C>T on the coding strand, the complement: AARS1 is on the minus strand). VCF-style: chr16-70271891-G-A. GRCh37 (hg19) VCF-style: chr16-70305794-G-A.
Identifiers: ClinVar variation 320352 (VCV000320352.42), dbSNP rs78523270, ClinGen allele CA8141101.

ClinVar aggregate classification (germline): Benign/Likely benign. Review status: criteria provided, multiple submitters, no conflicts (2 of 4 stars). 7 submissions from 7 submitters: Benign (2); Likely benign (5). Last evaluated 2025-11-11.

Conditions:
Inborn genetic diseases. Identifiers: MedGen C0950123, MeSH D030342.
Charcot-Marie-Tooth disease type 2. Also called: Charcot-Marie-Tooth type 2. Identifiers: Orphanet 64746, MedGen C0270914, MONDO:0018993.
AARS1-related disorder. Also called: AARS1-related condition.
Charcot-Marie-Tooth disease axonal type 2N (CMT2N). Also called: Charcot-Marie-Tooth Neuropathy Type 2N; CHARCOT-MARIE-TOOTH DISEASE, AXONAL, AUTOSOMAL DOMINANT, TYPE 2N; CHARCOT-MARIE-TOOTH NEUROPATHY, AXONAL, TYPE 2N. Identifiers: Orphanet 228174, MedGen C2750090, MONDO:0013212, OMIM 613287.

Allele frequency attached by ClinVar (database versions not stated): gnomAD exomes 0.00016 and 0.00067; gnomAD 0.00019 and 0.00029; TOPMed 0.00038; ExAC 0.00059; 1000 Genomes Project 30x 0.00172; 1000 Genomes Project 0.00200.
gnomAD v4.1: 283 of 1,614,068 alleles (0.018%); highest among the groups gnomAD compares: East Asian, 0.58%; 1 homozygote.

Submissions (7):

PreventionGenetics, part of Exact Sciences
Classification: Likely benign for AARS1-related condition. Last evaluated: 2025-11-11. Review status: criteria provided, single submitter. Criteria: ACMG Guidelines, 2015. Collection method: clinical testing. Allele origin: germline.
Comment: This variant is classified as likely benign based on ACMG/AMP sequence variant interpretation guidelines (Richards et al. 2015 PMID: 25741868, with internal and published modifications).

Labcorp Genetics (formerly Invitae), Labcorp
Classification: Benign for Charcot-Marie-Tooth disease type 2. Last evaluated: 2025-10-08. Review status: criteria provided, single submitter. Criteria: Invitae Variant Classification Sherloc (09022015). Collection method: clinical testing. Allele origin: germline.

Blueprint Genetics
Classification: Likely benign. Last evaluated: 2024-06-12. Review status: criteria provided, single submitter. Criteria: ACMG Guidelines, 2015. Collection method: clinical testing. Allele origin: germline.

CeGaT Center for Human Genetics Tuebingen
Classification: Likely benign. Last evaluated: 2023-10-01. Review status: criteria provided, single submitter. Criteria: CeGaT Center For Human Genetics Tuebingen Variant Classification Criteria Version 2. Collection method: clinical testing. Allele origin: germline. Affected: yes. Observed: 2 variant alleles.
Comment: AARS1: BP4

Ambry Genetics
Classification: Likely benign for Inborn genetic diseases. Last evaluated: 2019-07-11. Review status: criteria provided, single submitter. Criteria: Ambry Variant Classification Scheme 2023. Collection method: clinical testing. Allele origin: germline.

Illumina Laboratory Services, Illumina
Classification: Benign for Charcot-Marie-Tooth disease axonal type 2N. Last evaluated: 2018-01-13. Review status: criteria provided, single submitter. Criteria: ICSL Variant Classification Criteria 13 December 2019. Collection method: clinical testing. Allele origin: germline.
Comment: This variant was observed in the ICSL laboratory as part of a predisposition screen in an ostensibly healthy population. It had not been previously curated by ICSL or reported in the Human Gene Mutation Database (HGMD: prior to June 1st, 2018), and was therefore a candidate for classification through an automated scoring system. Utilizing variant allele frequency, disease prevalence and penetrance estimates, and inheritance mode, an automated score was calculated to assess if this variant is too frequent to cause the disease. Based on the score and internal cut-off values, a variant classified as benign is not then subjected to further curation. The score for this variant resulted in a classification of benign for this disease.

GeneDx
Classification: Likely benign. Last evaluated: 2016-07-21. Review status: criteria provided, single submitter. Criteria: GeneDx Variant Classification (06012015). Collection method: clinical testing. Allele origin: germline. Affected: yes.
Comment: This variant is considered likely benign or benign based on one or more of the following criteria: it is a conservative change, it occurs at a poorly conserved position in the protein, it is predicted to be benign by multiple in silico algorithms, and/or has population frequency not consistent with disease.